The following is an entry in ClinVar:

ClinVar aggregate classification (germline): Pathogenic (1 of 4 stars; one submission).

Conditions:
Autosomal recessive limb-girdle muscular dystrophy type 2C (LGMDR5). Also called: MUSCULAR DYSTROPHY, LIMB-GIRDLE, AUTOSOMAL RECESSIVE 5; MUSCULAR DYSTROPHY, DUCHENNE-LIKE. Identifiers: Orphanet 353, MedGen C0410173, MONDO:0009677, OMIM 253700. Disease mechanism: Affects gamma-sarcoglycan and also disrupts the integrity of the entire sarcoglycan complex..

Submission:

3billion
Classification: Pathogenic for Autosomal recessive limb-girdle muscular dystrophy type 2C. Last evaluated: 2025-05-29. Review status: criteria provided, single submitter. Criteria: ACMG Guidelines, 2015. Collection method: clinical testing. Allele origin: germline. Affected: yes.
Comment: The variant is not observed in the gnomAD v4.1.0 dataset. Predicted Consequence/Location: Canonical splice site: predicted to alter splicing and result in a loss or disruption of normal protein function. Multiple pathogenic loss-of-function variants are reported downstream of the variant. In silico tools predict the variant to alter splicing and produce an abnormal transcript [SpliceAI: 0.99 (spliceogenicity >=0.2, non-spliceogenicity <0.1)]. Therefore, this variant is classified as Pathogenic according to the recommendation of ACMG/AMP guideline.

NM_000231.3(SGCG):c.297+2T>C

Gene: SGCG (sarcoglycan gamma; plus strand). Cytogenetic location: 13q12.12.
Variant type: single nucleotide variant.
Coding change: c.297+2T>C on transcript NM_000231.3 (MANE Select); the canonical splice donor site of the intron after coding-DNA position 297, T replaced by C.
Molecular consequence: splice donor variant.
Genome position (GRCh38, 1-based): chr13:23,234,714, T>C. VCF-style: chr13-23234714-T-C. GRCh37 (hg19) VCF-style: chr13-23808853-T-C.
Other names: c.351+2T>C (NM_001378244.1); c.297+2T>C (NM_001378245.1, NM_001378246.1).
Identifiers: ClinVar variation 4854468 (VCV004854468.1).